The following is an entry in ClinVar:

NM_001379291.1(BRD4):c.338G>A (p.Arg113His)

Gene: BRD4 (bromodomain containing 4; minus strand). Cytogenetic location: 19p13.12.
Variant type: single nucleotide variant.
Coding change: c.338G>A on transcript NM_001379291.1 (MANE Select); coding-DNA position 338, G replaced by A.
Protein change: p.Arg113His; replaces arginine 113 with histidine.
Molecular consequence: missense variant.
Genome position (GRCh38, 1-based): chr19:15,268,990, C>T on the plus strand (G>A on the coding strand, the complement: BRD4 is on the minus strand). VCF-style: chr19-15268990-C-T. GRCh37 (hg19) VCF-style: chr19-15379801-C-T.
Other names: c.338G>A, p.Arg113His (NM_001330384.2, NM_001379292.1, NM_014299.3 and 1 more transcripts); short protein forms R113H.
Identifiers: ClinVar variation 3638455 (VCV003638455.2).

ClinVar aggregate classification (germline): Uncertain significance (1 of 4 stars; one submission).

Submission:

Labcorp Genetics (formerly Invitae), Labcorp
Classification: Uncertain significance. Last evaluated: 2024-02-02. Review status: criteria provided, single submitter. Criteria: Invitae Variant Classification Sherloc (09022015). Collection method: clinical testing. Allele origin: germline.
Comment: This sequence change replaces arginine, which is basic and polar, with histidine, which is basic and polar, at codon 113 of the BRD4 protein (p.Arg113His). This variant is not present in population databases (gnomAD no frequency). This variant has not been reported in the literature in individuals affected with BRD4-related conditions. Advanced modeling of protein sequence and biophysical properties (such as structural, functional, and spatial information, amino acid conservation, physicochemical variation, residue mobility, and thermodynamic stability) has been performed at Invitae for this missense variant, however the output from this modeling did not meet the statistical confidence thresholds required to predict the impact of this variant on BRD4 protein function. This variant disrupts the p.Arg113 amino acid residue in BRD4. Other variant(s) that disrupt this residue have been determined to be pathogenic (Invitae). This suggests that this residue is clinically significant, and that variants that disrupt this residue are likely to be disease-causing. In summary, the available evidence is currently insufficient to determine the role of this variant in disease. Therefore, it has been classified as a Variant of Uncertain Significance.